The following is an entry in ClinVar:

NM_015259.6(ICOSLG):c.470C>T (p.Thr157Met)

Gene: ICOSLG (inducible T cell costimulator ligand; minus strand). Cytogenetic location: 21q22.3.
Variant type: single nucleotide variant.
Coding change: c.470C>T on transcript NM_015259.6 (MANE Select); coding-DNA position 470, C replaced by T.
Protein change: p.Thr157Met; replaces threonine 157 with methionine.
Molecular consequence: missense variant.
Genome position (GRCh38, 1-based): chr21:44,235,499, G>A on the plus strand (C>T on the coding strand, the complement: ICOSLG is on the minus strand). VCF-style: chr21-44235499-G-A. GRCh37 (hg19) VCF-style: chr21-45655382-G-A.
Other names: c.470C>T, p.Thr157Met (NM_001283050.2, NM_001395918.1); c.119C>T, p.Thr40Met (NM_001283051.2); c.215C>T, p.Thr72Met (NM_001283052.2); c.389C>T, p.Thr130Met (NM_001365759.2); short protein forms T157M, T40M, T72M, T130M.
Identifiers: ClinVar variation 2483505 (VCV002483505.3), dbSNP rs749547790, ClinGen allele CA321497276.

ClinVar aggregate classification (germline): Uncertain significance. Review status: criteria provided, multiple submitters, no conflicts (2 of 4 stars). 2 submissions from 2 submitters: Uncertain significance (2). Last evaluated 2026-01-11.

Allele frequency attached by ClinVar (database versions not stated): ExAC 0.00001.

Submissions (2):

Labcorp Genetics (formerly Invitae), Labcorp
Classification: Uncertain significance. Last evaluated: 2026-01-11. Review status: criteria provided, single submitter. Criteria: Invitae Variant Classification Sherloc (09022015). Collection method: clinical testing. Allele origin: germline.
Comment: This sequence change replaces threonine, which is neutral and polar, with methionine, which is neutral and non-polar, at codon 157 of the ICOSLG protein (p.Thr157Met). This variant is present in population databases (rs749547790, gnomAD 0.0009%). This variant has not been reported in the literature in individuals affected with ICOSLG-related conditions. ClinVar contains an entry for this variant (Variation ID: 2483505). An algorithm developed to predict the effect of missense changes on protein structure and function outputs the following: PolyPhen-2: "Possibly Damaging". The methionine amino acid residue is found in multiple mammalian species, which suggests that this missense change does not adversely affect protein function. In summary, the available evidence is currently insufficient to determine the role of this variant in disease. Therefore, it has been classified as a Variant of Uncertain Significance.

Ambry Genetics
Classification: Uncertain significance. Last evaluated: 2023-02-14. Review status: criteria provided, single submitter. Criteria: Ambry Variant Classification Scheme 2023. Collection method: clinical testing. Allele origin: germline.